The following is an entry in ClinVar:

ClinVar aggregate classification (germline): Uncertain significance (1 of 4 stars; one submission).

Conditions:
Hereditary sclerosing poikiloderma with tendon and pulmonary involvement. Also called: Poikiloderma, hereditary fibrosing, with tendon contractures, myopathy, and pulmonary fibrosis. Identifiers: Orphanet 221043, MedGen C3810325, MONDO:0014310, OMIM 615704.

Submission:

Neuberg Centre For Genomic Medicine, NCGM
Classification: Uncertain significance for Hereditary sclerosing poikiloderma with tendon and pulmonary involvement. Review status: criteria provided, single submitter. Criteria: ACMG Guidelines, 2015. Collection method: clinical testing. Allele origin: germline. Inheritance: Autosomal dominant inheritance. Affected: yes.
Comment: The missense c.1997C>Ap.Thr666Asn variant in the FAM111B gene has not been reported previously as a pathogenic variant nor as a benign variant, to our knowledge. This variant is novel not in any individuals in gnomAD Exomes and 1000 Genomes database. The amino acid change p.Thr666Asn in FAM111B is predicted as conserved by GERP++ and PhyloP across 100 vertebrates. The variant is predicted as damaging by SIFT. The amino acid Threonine at position 666 is changed to a Asparagine changing protein sequence and it might alter its composition and physico-chemical properties. For these reasons, this variant has been classified as Variant of Uncertain Significance VUS.

NM_198947.4(FAM111B):c.1997C>A (p.Thr666Asn)

Gene: FAM111B (FAM111 trypsin like peptidase B; plus strand). Cytogenetic location: 11q12.1.
Variant type: single nucleotide variant.
Coding change: c.1997C>A on transcript NM_198947.4 (MANE Select); coding-DNA position 1997, C replaced by A.
Protein change: p.Thr666Asn; replaces threonine 666 with asparagine.
Molecular consequence: missense variant.
Genome position (GRCh38, 1-based): chr11:59,126,094, C>A. VCF-style: chr11-59126094-C-A. GRCh37 (hg19) VCF-style: chr11-58893567-C-A.
Other names: c.1907C>A, p.Thr636Asn (NM_001142703.2, NM_001142704.2); short protein forms T636N, T666N.
Identifiers: ClinVar variation 2664927 (VCV002664927.3), dbSNP rs1390647521, ClinGen allele CA380763394.